The following is an entry in ClinVar:

NM_001009944.3(PKD1):c.11263C>T (p.Gln3755Ter)

Genes: PKD1 (polycystin 1, transient receptor potential channel interacting; minus strand), PKD1-AS1 (PKD1 antisense RNA 1; plus strand). Cytogenetic location: 16p13.3.
Variant type: single nucleotide variant.
Coding change: c.11263C>T on transcript NM_001009944.3 (MANE Select); coding-DNA position 11263, C replaced by T.
Protein change: p.Gln3755Ter; replaces glutamine 3755 with a stop codon.
Molecular consequence: nonsense.
Genome position (GRCh38, 1-based): chr16:2,092,486, G>A on the plus strand (C>T on the coding strand, the complement: PKD1 is on the minus strand). VCF-style: chr16-2092486-G-A. GRCh37 (hg19) VCF-style: chr16-2142487-G-A.
Other names: c.11260C>T, p.Gln3754Ter (NM_000296.4); c.11263C>T (NM_001009944.2); short protein forms Q3754*, Q3755*.
Identifiers: ClinVar variation 1013090 (VCV001013090.42), dbSNP rs2091642103, ClinGen allele CA394336115.

ClinVar aggregate classification (germline): Pathogenic/Likely pathogenic. Review status: criteria provided, multiple submitters, no conflicts (2 of 4 stars). 5 submissions from 5 submitters: Pathogenic (4); Likely pathogenic (1). Last evaluated 2025-06-24.

Conditions:
PKD1-related disorder. Also called: PKD1-related condition.
Polycystic kidney disease, adult type (PKD1). Also called: Polycystic Kidney Disease 1, Autosomal Dominant; Polycystic kidney disease 1; Polycystic kidney disease 1, severe; POLYCYSTIC KIDNEY DISEASE, ADULT, TYPE I; Polycystic Kidney, Autosomal Dominant; POLYCYSTIC KIDNEY DISEASE 1 WITH OR WITHOUT POLYCYSTIC LIVER DISEASE. Identifiers: MedGen C3149841, MONDO:0008263, OMIM 173900.

Submissions (5):

Women's Health and Genetics/Laboratory Corporation of America, LabCorp
Classification: Pathogenic for Polycystic kidney disease, adult type. Last evaluated: 2025-06-24. Review status: criteria provided, single submitter. Criteria: LabCorp Variant Classification Summary - May 2015. Collection method: clinical testing. Allele origin: germline.
Comment: Variant summary: PKD1 c.11263C>T (p.Gln3755X) results in a premature termination codon, predicted to cause a truncation of the encoded protein or absence of the protein due to nonsense mediated decay, which are commonly known mechanisms for disease. The variant was absent in 244188 control chromosomes. To our knowledge, no occurrence of c.11263C>T in individuals affected with Polycystic Kidney Disease 1 and no experimental evidence demonstrating its impact on protein function have been reported. ClinVar contains an entry for this variant (Variation ID: 1013090). Based on the evidence outlined above, the variant was classified as pathogenic.

Department of Pathology and Laboratory Medicine, Sinai Health System
Classification: Pathogenic for Polycystic kidney disease, adult type. Last evaluated: 2024-09-26. Review status: criteria provided, single submitter. Criteria: ACMG Guidelines, 2015. Collection method: clinical testing. Allele origin: germline.

CeGaT Center for Human Genetics Tuebingen
Classification: Pathogenic. Last evaluated: 2024-03-01. Review status: criteria provided, single submitter. Criteria: CeGaT Center For Human Genetics Tuebingen Variant Classification Criteria Version 2. Collection method: clinical testing. Allele origin: germline. Affected: yes. Observed: 3 variant alleles.
Comment: PKD1: PVS1, PM2

Blueprint Genetics
Classification: Likely pathogenic for PKD1-related disorders. Last evaluated: 2020-02-19. Review status: criteria provided, single submitter. Criteria: ACMG Guidelines, 2015. Collection method: clinical testing. Allele origin: germline. Affected: yes. Observed: 1 variant allele.

Juno Genomics, Hangzhou Juno Genomics, Inc
Classification: Pathogenic for Polycystic kidney disease, adult type. Review status: criteria provided, single submitter. Criteria: ACMG Guidelines, 2015. Collection method: clinical testing. Allele origin: germline. Affected: yes.
Comment: Absent from controls (or at extremely low frequency if recessive) in Genome Aggregation Database, Exome Sequencing Project, 1000 Genomes Project, or Exome Aggregation Consortium.;Null variant in a gene where loss of function (LOF) is a known mechanism of disease.;Patient's phenotype or family history is highly specific for a disease with a single genetic etiology.